The following is an entry in ClinVar:

NM_001371928.1(AHDC1):c.3163C>T (p.Arg1055Cys)

Gene: AHDC1 (AT-hook DNA binding motif containing 1; minus strand). Cytogenetic location: 1p36.11.
Variant type: single nucleotide variant.
Coding change: c.3163C>T on transcript NM_001371928.1 (MANE Select); coding-DNA position 3163, C replaced by T.
Protein change: p.Arg1055Cys; replaces arginine 1055 with cysteine.
Molecular consequence: missense variant.
Genome position (GRCh38, 1-based): chr1:27,548,953, G>A on the plus strand (C>T on the coding strand, the complement: AHDC1 is on the minus strand). VCF-style: chr1-27548953-G-A. GRCh37 (hg19) VCF-style: chr1-27875464-G-A.
Other names: c.3163C>T, p.Arg1055Cys (NM_001029882.3); short protein forms R1055C.
Identifiers: ClinVar variation 2979843 (VCV002979843.3), dbSNP rs1230993429, ClinGen allele CA339228052.

ClinVar aggregate classification (germline): Uncertain significance (1 of 4 stars; one submission).

gnomAD v4.1: 12 of 1,578,696 alleles (0.00076%); highest among the groups gnomAD compares: Admixed American, 0.0054%; no homozygotes.

Submission:

Labcorp Genetics (formerly Invitae), Labcorp
Classification: Uncertain significance. Last evaluated: 2023-06-17. Review status: criteria provided, single submitter. Criteria: Invitae Variant Classification Sherloc (09022015). Collection method: clinical testing. Allele origin: germline.
Comment: This sequence change replaces arginine, which is basic and polar, with cysteine, which is neutral and slightly polar, at codon 1055 of the AHDC1 protein (p.Arg1055Cys). This variant is present in population databases (no rsID available, gnomAD 0.007%). This variant has not been reported in the literature in individuals affected with AHDC1-related conditions. An algorithm developed to predict the effect of missense changes on protein structure and function (PolyPhen-2) suggests that this variant is likely to be disruptive. In summary, the available evidence is currently insufficient to determine the role of this variant in disease. Therefore, it has been classified as a Variant of Uncertain Significance.